The following is an entry in ClinVar:

ClinVar aggregate classification (germline): Likely benign. Review status: criteria provided, multiple submitters, no conflicts (2 of 4 stars). 2 submissions from 2 submitters: Likely benign (2). Last evaluated 2026-08-10.

Conditions:
COL11A2-related disorder. Also called: COL11A2-related condition; COL11A2-related disorders.

Allele frequency attached by ClinVar (database versions not stated): gnomAD exomes 0.00001.
gnomAD v4.1: 6 of 1,612,612 alleles (0.00037%); highest among the groups gnomAD compares: African/African-American, 0.0067%; no homozygotes.

Submissions (2):

PreventionGenetics, part of Exact Sciences
Classification: Likely benign for COL11A2-related condition. Last evaluated: 2026-08-10. Review status: criteria provided, single submitter. Criteria: ACMG Guidelines, 2015. Collection method: clinical testing. Allele origin: germline.
Comment: This variant is classified as likely benign based on ACMG/AMP sequence variant interpretation guidelines (Richards et al. 2015 PMID: 25741868, with internal and published modifications).

Labcorp Genetics (formerly Invitae), Labcorp
Classification: Likely benign. Last evaluated: 2025-03-05. Review status: criteria provided, single submitter. Criteria: Invitae Variant Classification Sherloc (09022015). Collection method: clinical testing. Allele origin: germline.

NM_080680.3(COL11A2):c.1296C>T (p.Gly432=)

Gene: COL11A2 (collagen type XI alpha 2 chain; minus strand). Cytogenetic location: 6p21.32.
Variant type: single nucleotide variant.
Coding change: c.1296C>T on transcript NM_080680.3 (MANE Select); coding-DNA position 1296, C replaced by T.
Protein change: p.Gly432=; no amino-acid change (glycine 432 retained).
Molecular consequence: synonymous variant.
Genome position (GRCh38, 1-based): chr6:33,180,321, G>A on the plus strand (C>T on the coding strand, the complement: COL11A2 is on the minus strand). VCF-style: chr6-33180321-G-A. GRCh37 (hg19) VCF-style: chr6-33148098-G-A.
Other names: c.1116C>T, p.Gly372= (NM_001424108.1); c.450C>T, p.Gly150= (NM_001424109.1); c.270C>T, p.Gly90= (NM_001424110.1, NM_001424111.1); c.975C>T, p.Gly325= (NM_080679.3); c.1038C>T, p.Gly346= (NM_080681.3); c.1296C>T (NM_080680.2).
Identifiers: ClinVar variation 2993551 (VCV002993551.4), dbSNP rs1047502081, ClinGen allele CA449839589.